The following is an entry in ClinVar:

NM_000321.3(RB1):c.1216-1G>A

Gene: RB1 (RB transcriptional corepressor 1; plus strand). Cytogenetic location: 13q14.2.
Variant type: single nucleotide variant.
Coding change: c.1216-1G>A on transcript NM_000321.3 (MANE Select); the canonical splice acceptor site of the intron before coding-DNA position 1216, G replaced by A.
Molecular consequence: splice acceptor variant.
Genome position (GRCh38, 1-based): chr13:48,376,917, G>A. VCF-style: chr13-48376917-G-A. GRCh37 (hg19) VCF-style: chr13-48951053-G-A.
Other names: L11910:g.73752G>A; c.1216-1G>A (NM_001407165.1, NM_001407166.1).
Identifiers: ClinVar variation 126833 (VCV000126833.13), dbSNP rs587778831, ClinGen allele CA026368.

ClinVar aggregate classification (germline): Pathogenic/Likely pathogenic. Review status: criteria provided, multiple submitters, no conflicts (2 of 4 stars). 4 submissions from 4 submitters: Pathogenic (3); Likely pathogenic (1). Last evaluated 2026-05-29.

Conditions:
Retinoblastoma (RB1). Also called: RETINOBLASTOMA, SOMATIC. Identifiers: Orphanet 790, MedGen C0035335, MeSH D012175, MONDO:0008380, OMIM 180200, HP:0009919. Disease mechanism: loss of function. Inheritance: Both sporadic and heritable forms are tested..

Submissions (4):

Diller/Parad Lab, Dana-Farber/Harvard Cancer Center
Classification: Pathogenic for Retinoblastoma. Last evaluated: 2026-05-29. Review status: criteria provided, single submitter. Criteria: ACMG Guidelines, 2015. Collection method: research. Allele origin: germline. Affected: yes.
Comment: It has been classified as Pathogenic using Richards et al (PMID:25741868) based on the following evidence codes: PM2, PVS1, PP3, PP5.

Genetic Diagnostic Laboratory, University of Pennsylvania School of Medicine
Classification: Pathogenic for Retinoblastoma. Last evaluated: 2024-05-20. Review status: criteria provided, single submitter. Criteria: ACMG Guidelines, 2015. Collection method: clinical testing. Allele origin: germline. Affected: yes. Observed: 1 variant allele.
Comment: Case and Pedigree Information: BILATERAL CASES:1, UNILATERAL CASES:0, TOTAL CASES:1, PEDIGREES:1. ACMG Codes Applied:PVS1, PM2

Labcorp Genetics (formerly Invitae), Labcorp
Classification: Pathogenic for Retinoblastoma. Last evaluated: 2020-03-06. Review status: criteria provided, single submitter. Criteria: Invitae Variant Classification Sherloc (09022015). Collection method: clinical testing. Allele origin: germline.
Comment: For these reasons, this variant has been classified as Pathogenic. Donor and acceptor splice site variants typically lead to a loss of protein function (PMID: 16199547), and loss-of-function variants in RB1 are known to be pathogenic (PMID: 17096365). This variant has been observed in individual(s) with retinoblastoma (PMID: 9311732, Invitae). This variant is also known as IVS12-1G>A in the literature. ClinVar contains an entry for this variant (Variation ID: 126833). This variant is not present in population databases (ExAC no frequency). This sequence change affects an acceptor splice site in intron 12 of the RB1 gene. It is expected to disrupt RNA splicing and likely results in an absent or disrupted protein product.

Laboratory for Molecular Medicine, Mass General Brigham Personalized Medicine
Classification: Likely pathogenic for Retinoblastoma. Last evaluated: 2019-03-21. Review status: criteria provided, single submitter. Criteria: ACMG Guidelines, 2015. Collection method: clinical testing. Allele origin: germline. Inheritance: Autosomal dominant inheritance.
Comment: The c.1216-1G>A variant in RB1 has been reported in 1individual with retinoblastoma whose tumor also carried a frameshift variant in the RB1 gene (Lohmann 1997). It was absent from large population studies. This variant has also been reported in ClinVar (Variation ID 126833). This variant occurs within the canonical splice site (+/- 1,2) and is predicted to cause altered splicing leading to an abnormal or absent protein. Loss of function of the RB1 gene is an established disease mechanism in autosomal dominant retinoblastoma. IIn summary, although additional studies are required to fully establish its clinical significance, the c.1216-1G>A variant is likely pathogenic for autosomal dominant retinoblastoma. ACMG/AMP Criteria applied: PVS1_strong, PM2

Literature cited by the submitters: PubMed 16199547 (cited by Labcorp Genetics (formerly Invitae), Labcorp); PubMed 17096365 (cited by Labcorp Genetics (formerly Invitae), Labcorp); PubMed 9311732 (cited by Labcorp Genetics (formerly Invitae), Labcorp and Laboratory for Molecular Medicine, Mass General Brigham Personalized Medicine).